The following is an entry in ClinVar:

NM_001008212.2(OPTN):c.236A>G (p.Gln79Arg)

Genes: OPTN (optineurin; plus strand), LOC108903148 (10p13 OPTN distal Alu-mediated recombination region; plus strand). Cytogenetic location: 10p13.
Variant type: single nucleotide variant.
Coding change: c.236A>G on transcript NM_001008212.2 (MANE Select); coding-DNA position 236, A replaced by G.
Protein change: p.Gln79Arg; replaces glutamine 79 with arginine.
Molecular consequence: missense variant.
Genome position (GRCh38, 1-based): chr10:13,110,343, A>G. VCF-style: chr10-13110343-A-G. GRCh37 (hg19) VCF-style: chr10-13152343-A-G.
Other names: c.236A>G, p.Gln79Arg (NM_001008211.1, NM_001008213.1, NM_021980.4); short protein forms Q79R.
Identifiers: ClinVar variation 1344510 (VCV001344510.3), dbSNP rs1452457006, ClinGen allele CA376027456.

ClinVar aggregate classification (germline): Uncertain significance. Review status: criteria provided, single submitter (1 of 4 stars). 2 submissions from 2 submitters: Uncertain significance (1). 1 of the submissions does not count toward it. Last evaluated 2024-02-21.

Conditions:
Primary open angle glaucoma (POAG). Also called: OPTN-related open angle glaucoma. Identifiers: MedGen C0339573, MONDO:0100553, OMIM 137760.
Amyotrophic lateral sclerosis type 12 (ALS12). Also called: AMYOTROPHIC LATERAL SCLEROSIS 12 WITH OR WITHOUT FRONTOTEMPORAL DEMENTIA. Identifiers: Orphanet 803, MedGen C3150692, MONDO:0013264, OMIM 613435.
Glaucoma 1, open angle, E. Identifiers: MedGen C1842026, MONDO:0007665.
Frontotemporal dementia (FTD1). Also called: WILHELMSEN-LYNCH DISEASE; FRONTOTEMPORAL DEMENTIA WITH PARKINSONISM; FRONTOTEMPORAL LOBE DEMENTIA; Frontotemporal lobe dementia (FLDEM); FRONTOTEMPORAL LOBAR DEGENERATION WITH TAU INCLUSIONS; FTLD WITH TAU INCLUSIONS. Identifiers: Orphanet 282, MedGen C0338451, MONDO:0017276, OMIM 600274, HP:0002145.

gnomAD v4.1: 1 of 1,614,188 alleles (0.000062%); highest among the groups gnomAD compares: Non-Finnish European, 0.000085%; no homozygotes.

Submissions (2):

Labcorp Genetics (formerly Invitae), Labcorp
Classification: Uncertain significance for Primary open angle glaucoma; Glaucoma 1, open angle, E; Amyotrophic lateral sclerosis type 12. Last evaluated: 2024-02-21. Review status: criteria provided, single submitter. Criteria: Invitae Variant Classification Sherloc (09022015). Collection method: clinical testing. Allele origin: germline.
Comment: This sequence change replaces glutamine, which is neutral and polar, with arginine, which is basic and polar, at codon 79 of the OPTN protein (p.Gln79Arg). This variant is not present in population databases (gnomAD no frequency). This missense change has been observed in individual(s) with frontotemporal dementia (PMID: 35873773). ClinVar contains an entry for this variant (Variation ID: 1344510). Advanced modeling of protein sequence and biophysical properties (such as structural, functional, and spatial information, amino acid conservation, physicochemical variation, residue mobility, and thermodynamic stability) performed at Invitae indicates that this missense variant is not expected to disrupt OPTN protein function with a negative predictive value of 80%. In summary, the available evidence is currently insufficient to determine the role of this variant in disease. Therefore, it has been classified as a Variant of Uncertain Significance.

Guerreiro-Bras Laboratory, Van Andel Institute
Classification: Likely pathogenic for Frontotemporal dementia. Last evaluated: 2022-02-02. Review status: no assertion criteria provided. Collection method: research. Allele origin: unknown. Affected: yes. Not counted in ClinVar's aggregate classification.

Literature cited by the submitters: PubMed 35873773 (cited by Labcorp Genetics (formerly Invitae), Labcorp).